The following is an entry in ClinVar:

ClinVar aggregate classification (germline): Uncertain significance (1 of 4 stars; one submission).

Submission:

Labcorp Genetics (formerly Invitae), Labcorp
Classification: Uncertain significance. Last evaluated: 2022-02-09. Review status: criteria provided, single submitter. Criteria: Invitae Variant Classification Sherloc (09022015). Collection method: clinical testing. Allele origin: germline.
Comment: Algorithms developed to predict the effect of missense changes on protein structure and function (SIFT, PolyPhen-2, Align-GVGD) all suggest that this variant is likely to be tolerated. In summary, the available evidence is currently insufficient to determine the role of this variant in disease. Therefore, it has been classified as a Variant of Uncertain Significance. This variant has not been reported in the literature in individuals affected with CHRM2-related conditions. This variant is not present in population databases (gnomAD no frequency). This sequence change replaces threonine, which is neutral and polar, with isoleucine, which is neutral and non-polar, at codon 465 of the CHRM2 protein (p.Thr465Ile).

NM_001006630.2(CHRM2):c.1394C>T (p.Thr465Ile)

Genes: CHRM2 (cholinergic receptor muscarinic 2; plus strand), LOC349160 (uncharacterized LOC349160; minus strand). Cytogenetic location: 7q33.
Variant type: single nucleotide variant.
Coding change: c.1394C>T on transcript NM_001006630.2 (MANE Select); coding-DNA position 1394, C replaced by T.
Protein change: p.Thr465Ile; replaces threonine 465 with isoleucine.
Molecular consequence: missense variant.
Genome position (GRCh38, 1-based): chr7:137,016,259, C>T. VCF-style: chr7-137016259-C-T. GRCh37 (hg19) VCF-style: chr7-136701006-C-T.
Other names: c.1394C>T, p.Thr465Ile (NM_000739.3, NM_001006626.3, NM_001006627.3 and 6 more transcripts); short protein forms T465I.
Identifiers: ClinVar variation 1380192 (VCV001380192.6), dbSNP rs202195493, ClinGen allele CA369488629.